The following is an entry in ClinVar:

NM_170754.4(TNS2):c.3770C>A (p.Ala1257Asp)

Gene: TNS2 (tensin 2; plus strand). Cytogenetic location: 12q13.13.
Variant type: single nucleotide variant.
Coding change: c.3770C>A on transcript NM_170754.4 (MANE Select); coding-DNA position 3770, C replaced by A.
Protein change: p.Ala1257Asp; replaces alanine 1257 with aspartic acid.
Molecular consequence: missense variant.
Genome position (GRCh38, 1-based): chr12:53,062,644, C>A. VCF-style: chr12-53062644-C-A. GRCh37 (hg19) VCF-style: chr12-53456428-C-A.
Other names: c.3770C>A, p.Ala1257Asp (NM_001416202.1); c.3728C>A, p.Ala1243Asp (NM_001416203.1); c.3797C>A, p.Ala1266Asp (NM_001416204.1); c.3701C>A, p.Ala1234Asp (NM_015319.3); c.3398C>A, p.Ala1133Asp (NM_198316.2); c.3800C>A (NM_015319.2); short protein forms A1234D, A1133D, A1243D, A1257D, A1266D.
Identifiers: ClinVar variation 3716030 (VCV003716030.3).

ClinVar aggregate classification (germline): Uncertain significance. Review status: criteria provided, multiple submitters, no conflicts (2 of 4 stars). 2 submissions from 2 submitters: Uncertain significance (2). Last evaluated 2025-06-19.

gnomAD v4.1: 18 of 1,613,948 alleles (0.0011%); highest among the groups gnomAD compares: African/African-American, 0.024%; no homozygotes.

Submissions (2):

Ambry Genetics
Classification: Uncertain significance. Last evaluated: 2025-06-19. Review status: criteria provided, single submitter. Criteria: Ambry Variant Classification Scheme 2023. Collection method: clinical testing. Allele origin: germline.

Labcorp Genetics (formerly Invitae), Labcorp
Classification: Uncertain significance. Last evaluated: 2025-06-12. Review status: criteria provided, single submitter. Criteria: Invitae Variant Classification Sherloc (09022015). Collection method: clinical testing. Allele origin: germline.
Comment: This sequence change replaces alanine, which is neutral and non-polar, with aspartic acid, which is acidic and polar, at codon 1267 of the TNS2 protein (p.Ala1267Asp). This variant is present in population databases (rs371647800, gnomAD 0.03%). This variant has not been reported in the literature in individuals affected with TNS2-related conditions. ClinVar contains an entry for this variant (Variation ID: 3716030). An algorithm developed to predict the effect of missense changes on protein structure and function (PolyPhen-2) suggests that this variant is likely to be tolerated. In summary, the available evidence is currently insufficient to determine the role of this variant in disease. Therefore, it has been classified as a Variant of Uncertain Significance.